The following is an entry in ClinVar:

ClinVar aggregate classification (germline): Uncertain significance (1 of 4 stars; one submission).

gnomAD v4.1: 34 of 1,595,030 alleles (0.0021%); highest among the groups gnomAD compares: Middle Eastern, 0.051%; no homozygotes.

Submission:

GeneDx
Classification: Uncertain significance. Last evaluated: 2026-09-14. Review status: criteria provided, single submitter. Criteria: GeneDx Variant Classification Process June 2021. Collection method: clinical testing. Allele origin: germline.
Comment: Observed with a second TIAM1 variant on the opposite allele (in trans) in a patient with epilepsy and developmental delay in published literature (PMID: 39913128); In silico analysis suggests that this missense variant does not alter protein structure/function; This variant is associated with the following publications: (PMID: 39913128)

NM_001353694.2(TIAM1):c.2858G>A (p.Ser953Asn)

Gene: TIAM1 (TIAM Rac1 associated GEF 1; minus strand). Cytogenetic location: 21q22.11.
Variant type: single nucleotide variant.
Coding change: c.2858G>A on transcript NM_001353694.2 (MANE Select); coding-DNA position 2858, G replaced by A.
Protein change: p.Ser953Asn; replaces serine 953 with asparagine.
Molecular consequence: missense variant.
Genome position (GRCh38, 1-based): chr21:31,182,450, C>T on the plus strand (G>A on the coding strand, the complement: TIAM1 is on the minus strand). VCF-style: chr21-31182450-C-T. GRCh37 (hg19) VCF-style: chr21-32554767-C-T.
Other names: c.2858G>A, p.Ser953Asn (NM_001353686.2, NM_001353688.1, NM_001353689.1 and 5 more transcripts); c.2783G>A, p.Ser928Asn (NM_001353687.2); short protein forms S928N, S953N.
Identifiers: ClinVar variation 4887925 (VCV004887925.2).